The following is an entry in ClinVar:

ClinVar aggregate classification (germline): Uncertain significance. Review status: criteria provided, multiple submitters, no conflicts (2 of 4 stars). 2 submissions from 2 submitters: Uncertain significance (2). Last evaluated 2024-11-25.

Conditions:
Telangiectasia, hereditary hemorrhagic, type 2 (HHT2). Also called: Telangiectasia, hereditary hemorrhagic, type II; ACVRL1-Related Hereditary Hemorrhagic Telangiectasia. Identifiers: Orphanet 774, MedGen C1838163, MONDO:0010880, OMIM 600376. Disease mechanism: loss of function.

Submissions (2):

ARUP Laboratories, Molecular Genetics and Genomics, ARUP Laboratories
Classification: Uncertain significance for Telangiectasia, hereditary hemorrhagic, type 2. Last evaluated: 2024-11-25. Review status: criteria provided, single submitter. Criteria: ARUP Molecular Germline Variant Investigation Process 2024. Collection method: clinical testing. Allele origin: germline.
Comment: The ACVRL1 c.815A>G; p.Gln272Arg variant, to our knowledge, is not reported in the medical literature or gene specific databases. This variant is also absent from the Genome Aggregation Database (v2.1.1), indicating it is not a common polymorphism. Computational analyses are uncertain whether this variant is neutral or deleterious (REVEL: 0.695). Due to limited information, the clinical significance of this variant is uncertain at this time.

Labcorp Genetics (formerly Invitae), Labcorp
Classification: Uncertain significance for Telangiectasia, hereditary hemorrhagic, type 2. Last evaluated: 2024-04-06. Review status: criteria provided, single submitter. Criteria: Invitae Variant Classification Sherloc (09022015). Collection method: clinical testing. Allele origin: germline.
Comment: This sequence change replaces glutamine, which is neutral and polar, with arginine, which is basic and polar, at codon 272 of the ACVRL1 protein (p.Gln272Arg). This variant is not present in population databases (gnomAD no frequency). This variant has not been reported in the literature in individuals affected with ACVRL1-related conditions. Advanced modeling of protein sequence and biophysical properties (such as structural, functional, and spatial information, amino acid conservation, physicochemical variation, residue mobility, and thermodynamic stability) performed at Invitae indicates that this missense variant is expected to disrupt ACVRL1 protein function with a positive predictive value of 95%. In summary, the available evidence is currently insufficient to determine the role of this variant in disease. Therefore, it has been classified as a Variant of Uncertain Significance.

NM_000020.3(ACVRL1):c.815A>G (p.Gln272Arg)

Gene: ACVRL1 (activin A receptor like type 1; plus strand). Cytogenetic location: 12q13.13.
Variant type: single nucleotide variant.
Coding change: c.815A>G on transcript NM_000020.3 (MANE Select); coding-DNA position 815, A replaced by G.
Protein change: p.Gln272Arg; replaces glutamine 272 with arginine.
Molecular consequence: missense variant.
Genome position (GRCh38, 1-based): chr12:51,915,267, A>G. VCF-style: chr12-51915267-A-G. GRCh37 (hg19) VCF-style: chr12-52309051-A-G.
Other names: c.815A>G, p.Gln272Arg (NM_001077401.2, NM_001406487.1, NM_001406488.1 and 1 more transcripts); c.503A>G, p.Gln168Arg (NM_001406490.1, NM_001406491.1, NM_001406492.1 and 2 more transcripts); c.251A>G, p.Gln84Arg (NM_001406495.1); short protein forms Q84R, Q168R, Q272R.
Identifiers: ClinVar variation 3685021 (VCV003685021.3).